The following is an entry in ClinVar:

ClinVar aggregate classification (germline): Uncertain significance. Review status: criteria provided, multiple submitters, no conflicts (2 of 4 stars). 2 submissions from 2 submitters: Uncertain significance (2). Last evaluated 2021-08-30.

Conditions:
Long QT syndrome 9 (LQT9). Identifiers: Orphanet 101016, Orphanet 768, MedGen C2678485, MONDO:0012736, OMIM 611818.
Hypertrophic cardiomyopathy 1 (CMH1). Also called: MYH7-Related Familial Hypertrophic Cardiomyopathy; Familial hypertrophic cardiomyopathy 1. Identifiers: MedGen C3495498, MONDO:0008647, OMIM 192600.
Distal myopathy, Tateyama type (MPDT). Also called: CAV3-Related Distal Myopathy. Identifiers: Orphanet 488650, MedGen C3280443, MONDO:0013686, OMIM 614321.
Rippling muscle disease 2 (RMD2). Also called: CAV3-Related Rippling Muscle Disease; Limb-girdle muscular dystrophy, type 1C. Identifiers: Orphanet 265, MedGen C1832560, MONDO:0019947, OMIM 606072.
Elevated circulating creatine kinase activity. Also called: Elevated creatine kinase; Elevated serum creatine phosphokinase; Elevated circulating creatine kinase concentration. Identifiers: MedGen C0241005, HP:0003236.
Long QT syndrome (LQTS). Identifiers: MedGen C0023976, MeSH D008133, MONDO:0002442. Disease mechanism: loss of function. Inheritance: Various modes of inheritance.

Submissions (2):

Fulgent Genetics
Classification: Uncertain significance for Creatine phosphokinase, elevated serum; Hypertrophic cardiomyopathy 1; Rippling muscle disease 2; Long QT syndrome 9; Distal myopathy, Tateyama type. Last evaluated: 2021-08-30. Review status: criteria provided, single submitter. Criteria: ACMG Guidelines, 2015. Collection method: clinical testing. Allele origin: unknown.

Labcorp Genetics (formerly Invitae), Labcorp
Classification: Uncertain significance for Long QT syndrome. Last evaluated: 2020-10-15. Review status: criteria provided, single submitter. Criteria: Invitae Variant Classification Sherloc (09022015). Collection method: clinical testing. Allele origin: germline.
Comment: In summary, the available evidence is currently insufficient to determine the role of this variant in disease. Therefore, it has been classified as a Variant of Uncertain Significance. This variant is not present in population databases (ExAC no frequency). This variant has not been reported in the literature in individuals with CAV3-related conditions. Algorithms developed to predict the effect of missense changes on protein structure and function output the following: SIFT: "Tolerated"; PolyPhen-2: "Benign"; Align-GVGD: "Class C0". The arginine amino acid residue is found in multiple mammalian species, suggesting that this missense change does not adversely affect protein function. These predictions have not been confirmed by published functional studies and their clinical significance is uncertain. This sequence change replaces glutamine with arginine at codon 12 of the CAV3 protein (p.Gln12Arg). The glutamine residue is weakly conserved and there is a small physicochemical difference between glutamine and arginine.

NM_033337.3(CAV3):c.35A>G (p.Gln12Arg)

Gene: CAV3 (caveolin 3; plus strand). Cytogenetic location: 3p25.3.
Variant type: single nucleotide variant.
Coding change: c.35A>G on transcript NM_033337.3 (MANE Select); coding-DNA position 35, A replaced by G.
Protein change: p.Gln12Arg; replaces glutamine 12 with arginine.
Molecular consequence: missense variant.
Genome position (GRCh38, 1-based): chr3:8,733,911, A>G. VCF-style: chr3-8733911-A-G. GRCh37 (hg19) VCF-style: chr3-8775597-A-G.
Other names: c.35A>G, p.Gln12Arg (NM_001234.5); short protein forms Q12R.
Identifiers: ClinVar variation 1025712 (VCV001025712.6), dbSNP rs1707652057, ClinGen allele CA351661289.